The following is an entry in ClinVar:

ClinVar aggregate classification (germline): Uncertain significance (1 of 4 stars; one submission).

Allele frequency attached by ClinVar (database versions not stated): ExAC 0.00001; gnomAD 0.00001; TOPMed 0.00001; gnomAD exomes below 0.00001.
gnomAD v4.1: 4 of 1,610,518 alleles (0.00025%); highest among the groups gnomAD compares: Admixed American, 0.0017%; no homozygotes.

Submission:

Labcorp Genetics (formerly Invitae), Labcorp
Classification: Uncertain significance. Last evaluated: 2022-03-27. Review status: criteria provided, single submitter. Criteria: Invitae Variant Classification Sherloc (09022015). Collection method: clinical testing. Allele origin: germline.
Comment: This variant has not been reported in the literature in individuals affected with PCK2-related conditions. This sequence change replaces lysine, which is basic and polar, with glutamine, which is neutral and polar, at codon 261 of the PCK2 protein (p.Lys261Gln). This variant is present in population databases (rs749808953, gnomAD 0.002%). Algorithms developed to predict the effect of missense changes on protein structure and function (SIFT, PolyPhen-2, Align-GVGD) all suggest that this variant is likely to be disruptive. In summary, the available evidence is currently insufficient to determine the role of this variant in disease. Therefore, it has been classified as a Variant of Uncertain Significance.

NM_004563.4(PCK2):c.781A>C (p.Lys261Gln)

Genes: NRL (neural retina leucine zipper; minus strand), PCK2 (phosphoenolpyruvate carboxykinase 2, mitochondrial; plus strand). Cytogenetic location: 14q11.2.
Variant type: single nucleotide variant.
Coding change: c.781A>C on transcript NM_004563.4 (MANE Select); coding-DNA position 781, A replaced by C.
Protein change: p.Lys261Gln; replaces lysine 261 with glutamine.
Molecular consequence: missense variant. On other transcripts: intron variant (3).
Genome position (GRCh38, 1-based): chr14:24,099,165, A>C. VCF-style: chr14-24099165-A-C. GRCh37 (hg19) VCF-style: chr14-24568374-A-C.
Other names: c.781A>C, p.Lys261Gln (NM_001018073.3); c.379A>C, p.Lys127Gln (NM_001291556.2, NM_001308054.2); c.-28+15557T>G (NM_001354768.3, NM_001354770.2); c.-253-14420T>G (NM_006177.5); short protein forms K261Q, K127Q.
Identifiers: ClinVar variation 2051233 (VCV002051233.4), dbSNP rs749808953, ClinGen allele CA7123222.